The following is an entry in ClinVar:

ClinVar aggregate classification (germline): Uncertain significance. Review status: criteria provided, multiple submitters, no conflicts (2 of 4 stars). 3 submissions from 3 submitters: Uncertain significance (3). Last evaluated 2026-07-14.

Conditions:
Familial hemophagocytic lymphohistiocytosis 5. Also called: STXBP2-Related Familial Hemophagocytic Lymphohistiocytosis (STXBP2-fHLH). Identifiers: Orphanet 540, MedGen C2751293, MONDO:0013135, OMIM 613101.
STXBP2-related disorder. Also called: STXBP2-related condition.

Allele frequency attached by ClinVar (database versions not stated): ExAC 0.00008; ESP Exome Variant Server 0.00008; gnomAD 0.00011 and 0.00012; gnomAD exomes 0.00002; TOPMed 0.00017; 1000 Genomes Project 0.00040; 1000 Genomes Project 30x 0.00047.
gnomAD v4.1: 24 of 1,567,818 alleles (0.0015%); highest among the groups gnomAD compares: African/African-American, 0.031%; no homozygotes.

Submissions (3):

PreventionGenetics, part of Exact Sciences
Classification: Uncertain significance for STXBP2-related condition. Last evaluated: 2026-07-14. Review status: criteria provided, single submitter. Criteria: ACMG Guidelines, 2015. Collection method: clinical testing. Allele origin: germline.
Comment: The STXBP2 c.1268C>A variant is predicted to result in the amino acid substitution p.Ala423Asp. To our knowledge, this variant has not been reported in the literature. This variant is reported in 0.036% of alleles in individuals of African descent in gnomAD. At this time, the clinical significance of this variant is uncertain due to the absence of conclusive functional and genetic evidence.

Mayo Clinic Laboratories, Mayo Clinic
Classification: Uncertain significance. Last evaluated: 2024-12-26. Review status: criteria provided, single submitter. Criteria: ACMG Guidelines, 2015. Collection method: clinical testing. Allele origin: germline. Observed: 1 variant allele.

Labcorp Genetics (formerly Invitae), Labcorp
Classification: Uncertain significance for Familial hemophagocytic lymphohistiocytosis 5. Last evaluated: 2022-02-24. Review status: criteria provided, single submitter. Criteria: Invitae Variant Classification Sherloc (09022015). Collection method: clinical testing. Allele origin: germline.
Comment: This sequence change replaces alanine, which is neutral and non-polar, with aspartic acid, which is acidic and polar, at codon 423 of the STXBP2 protein (p.Ala423Asp). The frequency data for this variant in the population databases is considered unreliable, as metrics indicate poor data quality at this position in the gnomAD database. This variant has not been reported in the literature in individuals affected with STXBP2-related conditions. ClinVar contains an entry for this variant (Variation ID: 859984). Algorithms developed to predict the effect of missense changes on protein structure and function are either unavailable or do not agree on the potential impact of this missense change (SIFT: "Tolerated"; PolyPhen-2: "Possibly Damaging"; Align-GVGD: "Class C0"). In summary, the available evidence is currently insufficient to determine the role of this variant in disease. Therefore, it has been classified as a Variant of Uncertain Significance.

NM_006949.4(STXBP2):c.1268C>A (p.Ala423Asp)

Gene: STXBP2 (syntaxin binding protein 2; plus strand). Cytogenetic location: 19p13.2.
Variant type: single nucleotide variant.
Coding change: c.1268C>A on transcript NM_006949.4 (MANE Select); coding-DNA position 1268, C replaced by A.
Protein change: p.Ala423Asp; replaces alanine 423 with aspartic acid.
Molecular consequence: missense variant. On other transcripts: non-coding transcript variant (1).
Genome position (GRCh38, 1-based): chr19:7,645,218, C>A. VCF-style: chr19-7645218-C-A. GRCh37 (hg19) VCF-style: chr19-7710104-C-A.
Other names: p.Ala423Asp; c.1259C>A, p.Ala420Asp (NM_001127396.3); c.1301C>A, p.Ala434Asp (NM_001272034.2); short protein forms A434D, A423D, A420D.
Identifiers: ClinVar variation 859984 (VCV000859984.9), dbSNP rs150072458, ClinGen allele CA9144083.